The following is an entry in ClinVar:

ClinVar aggregate classification (germline): Benign/Likely benign. Review status: criteria provided, multiple submitters, no conflicts (2 of 4 stars). 3 submissions from 3 submitters: Benign (1); Likely benign (2). Last evaluated 2025-05-26.

Conditions:
Hereditary cancer-predisposing syndrome. Also called: Hereditary neoplastic syndrome; Hereditary Cancer Syndrome; Tumor predisposition; Neoplastic Syndromes, Hereditary. Identifiers: Orphanet 140162, MedGen C0027672, MeSH D009386, MONDO:0015356.
Familial adenomatous polyposis 1 (FAP1). Also called: FAMILIAL ADENOMATOUS POLYPOSIS 1, ATTENUATED; POLYPOSIS, ADENOMATOUS INTESTINAL. Identifiers: MedGen C2713442, MONDO:0021056, OMIM 175100. Disease mechanism: loss of function.

gnomAD v4.1: 1 of 1,613,976 alleles (0.000062%); highest among the groups gnomAD compares: Non-Finnish European, 0.000085%; no homozygotes.

Submissions (3):

Labcorp Genetics (formerly Invitae), Labcorp
Classification: Likely benign for Familial adenomatous polyposis 1. Last evaluated: 2025-05-26. Review status: criteria provided, single submitter. Criteria: Invitae Variant Classification Sherloc (09022015). Collection method: clinical testing. Allele origin: germline.

Myriad Genetics, Inc.
Classification: Benign for Familial adenomatous polyposis 1. Last evaluated: 2024-04-09. Review status: criteria provided, single submitter. Criteria: Myriad Autosomal Dominant, Autosomal Recessive and X-Linked Classification Criteria (2023). Collection method: clinical testing. Allele origin: unknown.
Comment: This variant is considered benign. This variant is a silent/synonymous amino acid change and it is not expected to impact splicing.

Ambry Genetics
Classification: Likely benign for Hereditary cancer-predisposing syndrome. Last evaluated: 2019-11-23. Review status: criteria provided, single submitter. Criteria: Ambry Variant Classification Scheme 2023. Collection method: clinical testing. Allele origin: germline.

NM_000038.6(APC):c.7347C>T (p.Ser2449=)

Gene: APC (APC regulator of Wnt signaling pathway; plus strand). Cytogenetic location: 5q22.2.
Variant type: single nucleotide variant.
Coding change: c.7347C>T on transcript NM_000038.6 (MANE Select); coding-DNA position 7347, C replaced by T.
Protein change: p.Ser2449=; no amino-acid change (serine 2449 retained).
Molecular consequence: synonymous variant.
Genome position (GRCh38, 1-based): chr5:112,842,941, C>T. VCF-style: chr5-112842941-C-T. GRCh37 (hg19) VCF-style: chr5-112178638-C-T.
Other names: c.7347C>T, p.Ser2449= (NM_001127510.3, NM_001354895.2); c.7293C>T, p.Ser2431= (NM_001127511.3); c.7401C>T, p.Ser2467= (NM_001354896.2); c.7377C>T, p.Ser2459= (NM_001354897.2); c.7272C>T, p.Ser2424= (NM_001354898.2); c.7263C>T, p.Ser2421= (NM_001354899.2); c.7224C>T, p.Ser2408= (NM_001354900.2); c.7170C>T, p.Ser2390= (NM_001354901.2); and 5 more.
Identifiers: ClinVar variation 1137018 (VCV001137018.13), dbSNP rs2149985043, ClinGen allele CA446210457.